The following is an entry in ClinVar:

ClinVar aggregate classification (germline): Uncertain significance. Review status: criteria provided, multiple submitters, no conflicts (2 of 4 stars). 4 submissions from 3 submitters: Uncertain significance (4). Last evaluated 2024-12-02.

Conditions:
WFS1-Related Spectrum Disorders.
Autosomal dominant nonsyndromic hearing loss 6 (LFSNHL). Also called: DEAFNESS, AUTOSOMAL DOMINANT 6; Autosomal dominant nonsyndromic deafness 6; DEAFNESS, AUTOSOMAL DOMINANT 14; DEAFNESS, AUTOSOMAL DOMINANT 38. Identifiers: Orphanet 90635, MedGen C1833021, MONDO:0010963, OMIM 600965.
Cataract 41 (CTRCT41). Also called: CATARACT 41, CONGENITAL NUCLEAR TYPE. Identifiers: Orphanet 91492, Orphanet 98991, Orphanet 98992, Orphanet 98995, MedGen C3805412, MONDO:0007287, OMIM 116400.
Wolfram syndrome 1 (WFS1). Identifiers: Orphanet 3463, MedGen C4551693, MONDO:0009101, OMIM 222300.
Type 2 diabetes mellitus. Also called: Type II diabetes mellitus. Identifiers: MedGen C0011860, MeSH D003924, MONDO:0005148, OMIM 125853, HP:0005978.
Wolfram-like syndrome. Also called: HEARING LOSS, PROGRESSIVE, WITH OPTIC ATROPHY AND/OR IMPAIRED GLUCOSE REGULATION. Identifiers: Orphanet 411590, MedGen C3280358, MONDO:0013673, OMIM 614296.

Allele frequency attached by ClinVar (database versions not stated): gnomAD 0.00003 and 0.00004; TOPMed 0.00003; ExAC 0.00004; gnomAD exomes 0.00004; ESP Exome Variant Server 0.00015; 1000 Genomes Project 30x 0.00016; 1000 Genomes Project 0.00020.
gnomAD v4.1: 58 of 1,612,902 alleles (0.0036%); highest among the groups gnomAD compares: Admixed American, 0.005%; no homozygotes.

Submissions (4):

Labcorp Genetics (formerly Invitae), Labcorp
Classification: Uncertain significance. Last evaluated: 2024-12-02. Review status: criteria provided, single submitter. Criteria: Invitae Variant Classification Sherloc (09022015). Collection method: clinical testing. Allele origin: germline.
Comment: This sequence change replaces aspartic acid, which is acidic and polar, with glycine, which is neutral and non-polar, at codon 713 of the WFS1 protein (p.Asp713Gly). This variant is present in population databases (rs143280847, gnomAD 0.006%). This variant has not been reported in the literature in individuals affected with WFS1-related conditions. ClinVar contains an entry for this variant (Variation ID: 349322). Invitae Evidence Modeling of protein sequence and biophysical properties (such as structural, functional, and spatial information, amino acid conservation, physicochemical variation, residue mobility, and thermodynamic stability) has been performed for this missense variant. However, the output from this modeling did not meet the statistical confidence thresholds required to predict the impact of this variant on WFS1 protein function. In summary, the available evidence is currently insufficient to determine the role of this variant in disease. Therefore, it has been classified as a Variant of Uncertain Significance.

Fulgent Genetics
Classification: Uncertain significance for Cataract 41; Type 2 diabetes mellitus; Wolfram syndrome 1; Autosomal dominant nonsyndromic hearing loss 6; Wolfram-like syndrome. Last evaluated: 2022-04-27. Review status: criteria provided, single submitter. Criteria: ACMG Guidelines, 2015. Collection method: clinical testing. Allele origin: unknown.

Illumina Laboratory Services, Illumina
Classification: Uncertain significance for Autosomal dominant nonsyndromic hearing loss 6. Last evaluated: 2018-01-13. Review status: criteria provided, single submitter. Criteria: ICSL Variant Classification Criteria 13 December 2019. Collection method: clinical testing. Allele origin: germline.

Illumina Laboratory Services, Illumina
Classification: Uncertain significance for WFS1-Related Spectrum Disorders. Last evaluated: 2018-01-13. Review status: criteria provided, single submitter. Criteria: ICSL Variant Classification Criteria 13 December 2019. Collection method: clinical testing. Allele origin: germline.

NM_006005.3(WFS1):c.2138A>G (p.Asp713Gly)

Gene: WFS1 (wolframin ER transmembrane glycoprotein; plus strand). Cytogenetic location: 4p16.1.
Variant type: single nucleotide variant.
Coding change: c.2138A>G on transcript NM_006005.3 (MANE Select); coding-DNA position 2138, A replaced by G.
Protein change: p.Asp713Gly; replaces aspartic acid 713 with glycine.
Molecular consequence: missense variant.
Genome position (GRCh38, 1-based): chr4:6,301,933, A>G. VCF-style: chr4-6301933-A-G. GRCh37 (hg19) VCF-style: chr4-6303660-A-G.
Other names: c.2138A>G, p.Asp713Gly (NM_001145853.1); short protein forms D713G.
Identifiers: ClinVar variation 349322 (VCV000349322.12), dbSNP rs143280847, ClinGen allele CA2839616.